The following is an entry in ClinVar:

ClinVar aggregate classification (germline): Uncertain significance. Review status: criteria provided, multiple submitters, no conflicts (2 of 4 stars). 3 submissions from 3 submitters: Uncertain significance (3). Last evaluated 2025-01-20.

Conditions:
Bronchiectasis with or without elevated sweat chloride 3 (BESC3). Identifiers: Orphanet 60033, MedGen C2751324, MONDO:0013112, OMIM 613071.
Liddle syndrome 2. Identifiers: MedGen C4748251, MONDO:0020854, OMIM 618114.
Pseudohypoaldosteronism, type IB3, autosomal recessive (PHA1B3). Identifiers: MedGen C5774256, MONDO:0859318, OMIM 620126.
Inborn genetic diseases. Identifiers: MedGen C0950123, MeSH D030342.

Allele frequency attached by ClinVar (database versions not stated): gnomAD exomes below 0.00001; gnomAD 0.00001; ExAC 0.00002; 1000 Genomes Project 30x 0.00016; 1000 Genomes Project 0.00020.

Submissions (3):

Labcorp Genetics (formerly Invitae), Labcorp
Classification: Uncertain significance. Last evaluated: 2025-01-20. Review status: criteria provided, single submitter. Criteria: Invitae Variant Classification Sherloc (09022015). Collection method: clinical testing. Allele origin: germline.
Comment: This sequence change replaces methionine, which is neutral and non-polar, with threonine, which is neutral and polar, at codon 299 of the SCNN1G protein (p.Met299Thr). This variant is present in population databases (rs186947558, gnomAD 0.02%). This variant has not been reported in the literature in individuals affected with SCNN1G-related conditions. ClinVar contains an entry for this variant (Variation ID: 2972605). Invitae Evidence Modeling of protein sequence and biophysical properties (such as structural, functional, and spatial information, amino acid conservation, physicochemical variation, residue mobility, and thermodynamic stability) indicates that this missense variant is not expected to disrupt SCNN1G protein function with a negative predictive value of 80%. In summary, the available evidence is currently insufficient to determine the role of this variant in disease. Therefore, it has been classified as a Variant of Uncertain Significance.

Ambry Genetics
Classification: Uncertain significance for Inborn genetic diseases. Last evaluated: 2024-12-10. Review status: criteria provided, single submitter. Criteria: Ambry Variant Classification Scheme 2023. Collection method: clinical testing. Allele origin: germline.

Fulgent Genetics
Classification: Uncertain significance for Bronchiectasis with or without elevated sweat chloride 3; Liddle syndrome 2; Pseudohypoaldosteronism, type IB3, autosomal recessive. Last evaluated: 2024-05-29. Review status: criteria provided, single submitter. Criteria: ACMG Guidelines, 2015. Collection method: clinical testing. Allele origin: germline.

NM_001039.4(SCNN1G):c.896T>C (p.Met299Thr)

Gene: SCNN1G (sodium channel epithelial 1 subunit gamma; plus strand). Cytogenetic location: 16p12.2.
Variant type: single nucleotide variant.
Coding change: c.896T>C on transcript NM_001039.4 (MANE Select); coding-DNA position 896, T replaced by C.
Protein change: p.Met299Thr; replaces methionine 299 with threonine.
Molecular consequence: missense variant.
Genome position (GRCh38, 1-based): chr16:23,194,257, T>C. VCF-style: chr16-23194257-T-C. GRCh37 (hg19) VCF-style: chr16-23205578-T-C.
Other names: c.896T>C (NM_001039.3); short protein forms M299T.
Identifiers: ClinVar variation 2972605 (VCV002972605.5), dbSNP rs186947558, ClinGen allele CA7959693.